The following is an entry in ClinVar:

NM_001378452.1(ITPR1):c.7697A>G (p.Lys2566Arg)

Genes: ITPR1 (inositol 1,4,5-trisphosphate receptor type 1; plus strand), LOC126806590 (MED14-independent group 3 enhancer GRCh37_chr3:4855759-4856958; plus strand). Cytogenetic location: 3p26.1.
Variant type: single nucleotide variant.
Coding change: c.7697A>G on transcript NM_001378452.1 (MANE Select); coding-DNA position 7697, A replaced by G.
Protein change: p.Lys2566Arg; replaces lysine 2566 with arginine.
Molecular consequence: missense variant.
Genome position (GRCh38, 1-based): chr3:4,814,558, A>G. VCF-style: chr3-4814558-A-G. GRCh37 (hg19) VCF-style: chr3-4856242-A-G.
Other names: c.7508A>G, p.Lys2503Arg (NM_002222.7); c.7553A>G, p.Lys2518Arg (NM_001099952.4); c.7652A>G, p.Lys2551Arg (NM_001168272.2); short protein forms K2518R, K2503R, K2551R, K2566R.
Identifiers: ClinVar variation 2695632 (VCV002695632.3), dbSNP rs2470176992, ClinGen allele CA351649182.

ClinVar aggregate classification (germline): Uncertain significance (1 of 4 stars; one submission).

Submission:

Labcorp Genetics (formerly Invitae), Labcorp
Classification: Uncertain significance. Last evaluated: 2023-06-17. Review status: criteria provided, single submitter. Criteria: Invitae Variant Classification Sherloc (09022015). Collection method: clinical testing. Allele origin: germline.
Comment: Advanced modeling of protein sequence and biophysical properties (such as structural, functional, and spatial information, amino acid conservation, physicochemical variation, residue mobility, and thermodynamic stability) performed at Invitae indicates that this missense variant is not expected to disrupt ITPR1 protein function. This variant has not been reported in the literature in individuals affected with ITPR1-related conditions. This variant is not present in population databases (gnomAD no frequency). This sequence change replaces lysine, which is basic and polar, with arginine, which is basic and polar, at codon 2503 of the ITPR1 protein (p.Lys2503Arg). In summary, the available evidence is currently insufficient to determine the role of this variant in disease. Therefore, it has been classified as a Variant of Uncertain Significance.